The following is an entry in ClinVar:

ClinVar aggregate classification (germline): Uncertain significance. Review status: criteria provided, multiple submitters, no conflicts (2 of 4 stars). 4 submissions from 4 submitters: Uncertain significance (4). Last evaluated 2025-08-07.

Conditions:
Marfan syndrome (MFS). Also called: FBN1-Related Marfan Syndrome; Marfan syndrome, classic; MARFAN SYNDROME, TYPE I; Marfan syndrome type 1; Marfan's syndrome. Identifiers: Orphanet 284963, Orphanet 558, MedGen C0024796, MONDO:0007947, OMIM 154700.
Familial thoracic aortic aneurysm and aortic dissection (TAAD). Also called: Thoracic aortic aneurysms and dissections. Identifiers: Orphanet 91387, MedGen C4707243, MONDO:0019625.

Allele frequency attached by ClinVar (database versions not stated): TOPMed 0.00002; gnomAD exomes 0.00001; gnomAD 0.00001.
gnomAD v4.1: 15 of 1,614,080 alleles (0.00093%); highest among the groups gnomAD compares: Non-Finnish European, 0.00093%; no homozygotes.

Submissions (4):

Color Diagnostics, LLC DBA Color Health
Classification: Uncertain significance for Familial thoracic aortic aneurysm and aortic dissection. Last evaluated: 2025-08-07. Review status: criteria provided, single submitter. Criteria: ACMG Guidelines, 2015. Collection method: clinical testing. Allele origin: germline.
Comment: This variant causes a C to A nucleotide substitution at the -3 position of intron 26 of the FBN1 gene. To our knowledge, functional studies have not been reported for this variant. This variant has been reported in an individual suspected of having Marfan syndrome (PMID: 24793577). This variant has been identified in 2/251442 chromosomes in the general population by the Genome Aggregation Database (gnomAD). The available evidence is insufficient to determine the role of this variant in disease conclusively. Therefore, this variant is classified as a Variant of Uncertain Significance.

All of Us Research Program, National Institutes of Health
Classification: Uncertain significance for Marfan syndrome. Last evaluated: 2023-08-15. Review status: criteria provided, single submitter. Criteria: ACMG Guidelines, 2015. Collection method: clinical testing. Allele origin: germline. Inheritance: Autosomal dominant inheritance. Observed: 3 variant alleles, 3 heterozygotes.
Comment: This variant causes a C to A nucleotide substitution at the -3 position of intron 26 of the FBN1 gene. Splice site prediction tools predict that this variant may have a significant impact on RNA splicing. To our knowledge, RNA studies have not been reported for this variant. This variant has been reported in an individual suspected of having Marfan syndrome (PMID: 24793577). This variant has been identified in 2/251442 chromosomes in the general population by the Genome Aggregation Database (gnomAD). The available evidence is insufficient to determine the role of this variant in disease conclusively. Therefore, this variant is classified as a Variant of Uncertain Significance.

This study involves interpretation of variants in research participants for the purpose of population health screening. Participant phenotype was not available at the time of variant classification. Additional details can be found in publication PMID: 35346344, PMCID: PMC8962531

Labcorp Genetics (formerly Invitae), Labcorp
Classification: Uncertain significance for Marfan syndrome; Familial thoracic aortic aneurysm and aortic dissection. Last evaluated: 2023-03-18. Review status: criteria provided, single submitter. Criteria: Invitae Variant Classification Sherloc (09022015). Collection method: clinical testing. Allele origin: germline.
Comment: In summary, the available evidence is currently insufficient to determine the role of this variant in disease. Therefore, it has been classified as a Variant of Uncertain Significance. Variants that disrupt the consensus splice site are a relatively common cause of aberrant splicing (PMID: 17576681, 9536098). Algorithms developed to predict the effect of sequence changes on RNA splicing suggest that this variant may create or strengthen a splice site. ClinVar contains an entry for this variant (Variation ID: 42328). This variant has been observed in individual(s) with clinical features of FBN1-related conditions (PMID: 24793577). This variant is present in population databases (rs397515787, gnomAD 0.004%). This sequence change falls in intron 26 of the FBN1 gene. It does not directly change the encoded amino acid sequence of the FBN1 protein. It affects a nucleotide within the consensus splice site.

Laboratory for Molecular Medicine, Mass General Brigham Personalized Medicine
Classification: Uncertain significance. Last evaluated: 2017-04-24. Review status: criteria provided, single submitter. Criteria: LMM Criteria. Collection method: clinical testing. Allele origin: germline. Observed: 1 variant allele.
Comment: proposed classification - variant undergoing re-assessment, contact laboratory

Literature cited by the submitters: PubMed 24793577 (cited by 3 submitters); PubMed 17576681 (cited by Labcorp Genetics (formerly Invitae), Labcorp); PubMed 9536098 (cited by Labcorp Genetics (formerly Invitae), Labcorp).

NM_000138.5(FBN1):c.3209-3C>A

Gene: FBN1 (fibrillin 1; minus strand). Cytogenetic location: 15q21.1.
Variant type: single nucleotide variant.
Coding change: c.3209-3C>A on transcript NM_000138.5 (MANE Select); 3 bases into the intron before coding-DNA position 3209, C replaced by A.
Molecular consequence: intron variant.
Genome position (GRCh38, 1-based): chr15:48,488,244, G>T on the plus strand (C>A on the coding strand, the complement: FBN1 is on the minus strand). VCF-style: chr15-48488244-G-T. GRCh37 (hg19) VCF-style: chr15-48780441-G-T.
Identifiers: ClinVar variation 42328 (VCV000042328.14), dbSNP rs397515787, ClinGen allele CA013888.